The following is an entry in ClinVar:

ClinVar aggregate classification (germline): Pathogenic (1 of 4 stars; one submission).

Conditions:
Developmental and epileptic encephalopathy, 23 (DEE23). Also called: Epileptic encephalopathy, early infantile, 23. Identifiers: Orphanet 411986, MedGen C4014492, MONDO:0014371, OMIM 615859.

Submission:

Labcorp Genetics (formerly Invitae), Labcorp
Classification: Pathogenic for Developmental and epileptic encephalopathy, 23. Last evaluated: 2022-09-07. Review status: criteria provided, single submitter. Criteria: Invitae Variant Classification Sherloc (09022015). Collection method: clinical testing. Allele origin: germline.
Comment: For these reasons, this variant has been classified as Pathogenic. This variant has not been reported in the literature in individuals affected with DOCK7-related conditions. This variant is not present in population databases (gnomAD no frequency). This sequence change creates a premature translational stop signal (p.Arg1420Lysfs*30) in the DOCK7 gene. It is expected to result in an absent or disrupted protein product. Loss-of-function variants in DOCK7 are known to be pathogenic (PMID: 24814191).

Literature cited by the submitters: PubMed 24814191.

NC_000001.11:g.62510670CT[2]

Gene: DOCK7 (dedicator of cytokinesis 7; minus strand). Cytogenetic location: 1p31.3.
Variant type: Microsatellite.
Genome position: GRCh38 VCF-style: chr1-62510668-TTC-T. GRCh37 (hg19) VCF-style: chr1-62976339-TTC-T.
Identifiers: ClinVar variation 2000115 (VCV002000115.4), dbSNP rs2524333986, ClinGen allele CA2580611453.